The following is an entry in ClinVar:

NM_004273.5(CHST3):c.295T>A (p.Leu99Met)

Gene: CHST3 (carbohydrate sulfotransferase 3; plus strand). Cytogenetic location: 10q22.1.
Variant type: single nucleotide variant.
Coding change: c.295T>A on transcript NM_004273.5 (MANE Select); coding-DNA position 295, T replaced by A.
Protein change: p.Leu99Met; replaces leucine 99 with methionine.
Molecular consequence: missense variant.
Genome position (GRCh38, 1-based): chr10:72,007,326, T>A. VCF-style: chr10-72007326-T-A. GRCh37 (hg19) VCF-style: chr10-73767084-T-A.
Other names: short protein forms L99M.
Identifiers: ClinVar variation 1020950 (VCV001020950.6), dbSNP rs1446955235, ClinGen allele CA377143149.
Genomic context (GRCh38, chr10:72,007,326, plus strand): 5'-TCCCTGAGCGAGCTCGATTCAGCCTTCTCCCAGCTTCAGAGCCGTCTCCGCAACCTCAGC[T>A]TGCAGCTGGGCGTGGAGCCAGCCATGGAGGCCGCAGGGGAGGAAGAGGAAGAGCAGAGAA-3'
Protein context (NP_004264.2, residues 89-109): QLQSRLRNLS[Leu99Met]QLGVEPAMEA

ClinVar aggregate classification (germline): Uncertain significance (1 of 4 stars; one submission).

Conditions:
Spondyloepiphyseal dysplasia with congenital joint dislocations (SEDCJD). Also called: Chondrodysplasia with Congenital Joint Dislocations, CHST3-Related. Identifiers: Orphanet 263463, MedGen C1837657, MONDO:0007738, OMIM 143095.

Allele frequency attached by ClinVar (database versions not stated): gnomAD exomes below 0.00001 and 0.00001; TOPMed below 0.00001.
gnomAD v4.1: 5 of 1,611,610 alleles (0.00031%); highest among the groups gnomAD compares: East Asian, 0.011%; no homozygotes.

Submission:

Labcorp Genetics (formerly Invitae), Labcorp
Classification: Uncertain significance for Spondyloepiphyseal dysplasia with congenital joint dislocations. Last evaluated: 2022-02-01. Review status: criteria provided, single submitter. Criteria: Invitae Variant Classification Sherloc (09022015). Collection method: clinical testing. Allele origin: germline.
Comment: ClinVar contains an entry for this variant (Variation ID: 1020950). In summary, the available evidence is currently insufficient to determine the role of this variant in disease. Therefore, it has been classified as a Variant of Uncertain Significance. Algorithms developed to predict the effect of missense changes on protein structure and function (SIFT, PolyPhen-2, Align-GVGD) all suggest that this variant is likely to be tolerated. This variant has not been reported in the literature in individuals affected with CHST3-related conditions. This variant is present in population databases (no rsID available, gnomAD 0.01%). This sequence change replaces leucine, which is neutral and non-polar, with methionine, which is neutral and non-polar, at codon 99 of the CHST3 protein (p.Leu99Met).